The following is an entry in ClinVar:

NM_016507.4(CDK12):c.352C>T (p.Arg118Cys)

Genes: CDK12 (cyclin dependent kinase 12; plus strand), LOC126862553 (CDK7 strongly-dependent group 2 enhancer GRCh37_chr17:37618166-37619365; plus strand). Cytogenetic location: 17q12.
Variant type: single nucleotide variant.
Coding change: c.352C>T on transcript NM_016507.4 (MANE Select); coding-DNA position 352, C replaced by T.
Protein change: p.Arg118Cys; replaces arginine 118 with cysteine.
Molecular consequence: missense variant.
Genome position (GRCh38, 1-based): chr17:39,462,423, C>T. VCF-style: chr17-39462423-C-T. GRCh37 (hg19) VCF-style: chr17-37618676-C-T.
Other names: c.352C>T, p.Arg118Cys (NM_015083.4); short protein forms R118C.
Identifiers: ClinVar variation 3999532 (VCV003999532.1).
Genomic context (GRCh38, chr17:39,462,423, plus strand): 5'-GAACGTCGTGGATCAGATCGGAGCGACCGCCTGCACAAACATCGTCACCACCAGCACAGG[C>T]GTTCCCGGGACTTACTAAAAGCTAAACAGACCGAAAAAGAAAAAAGCCAAGAAGTCTCCA-3'
Protein context (NP_057591.2, residues 108-128): LHKHRHHQHR[Arg118Cys]SRDLLKAKQT

ClinVar aggregate classification (germline): Uncertain significance (1 of 4 stars; one submission).

gnomAD v4.1: 2 of 1,614,100 alleles (0.00012%); highest among the groups gnomAD compares: Non-Finnish European, 0.00017%; no homozygotes.

Submission:

Ambry Genetics
Classification: Uncertain significance. Last evaluated: 2025-06-03. Review status: criteria provided, single submitter. Criteria: Ambry Variant Classification Scheme 2023. Collection method: clinical testing. Allele origin: germline.
Comment: The p.R118C variant (also known as c.352C>T), located in coding exon 1 of the CDK12 gene, results from a C to T substitution at nucleotide position 352. The arginine at codon 118 is replaced by cysteine, an amino acid with highly dissimilar properties. This amino acid position is conserved. In addition, this alteration is predicted to be tolerated by in silico analysis. Based on the available evidence, the clinical significance of this variant remains unclear.